The following is an entry in ClinVar:

NM_032520.5(GNPTG):c.286T>C (p.Phe96Leu)

Gene: GNPTG (N-acetylglucosamine-1-phosphate transferase subunit gamma; plus strand). Cytogenetic location: 16p13.3.
Variant type: single nucleotide variant.
Coding change: c.286T>C on transcript NM_032520.5 (MANE Select); coding-DNA position 286, T replaced by C.
Protein change: p.Phe96Leu; replaces phenylalanine 96 with leucine.
Molecular consequence: missense variant.
Genome position (GRCh38, 1-based): chr16:1,361,924, T>C. VCF-style: chr16-1361924-T-C. GRCh37 (hg19) VCF-style: chr16-1411925-T-C.
Other names: short protein forms F96L.
Identifiers: ClinVar variation 1450342 (VCV001450342.5), dbSNP rs1293958669, ClinGen allele CA394186972.

ClinVar aggregate classification (germline): Uncertain significance (1 of 4 stars; one submission).

Allele frequency attached by ClinVar (database versions not stated): gnomAD exomes below 0.00001; gnomAD 0.00001; TOPMed 0.00001.
gnomAD v4.1: 3 of 1,613,598 alleles (0.00019%); highest among the groups gnomAD compares: Admixed American, 0.005%; no homozygotes.

Submission:

Labcorp Genetics (formerly Invitae), Labcorp
Classification: Uncertain significance. Last evaluated: 2021-08-24. Review status: criteria provided, single submitter. Criteria: Invitae Variant Classification Sherloc (09022015). Collection method: clinical testing. Allele origin: germline.
Comment: This sequence change replaces phenylalanine with leucine at codon 96 of the GNPTG protein (p.Phe96Leu). The phenylalanine residue is highly conserved and there is a small physicochemical difference between phenylalanine and leucine. This variant is not present in population databases (ExAC no frequency). This variant has not been reported in the literature in individuals affected with GNPTG-related conditions. Algorithms developed to predict the effect of missense changes on protein structure and function are either unavailable or do not agree on the potential impact of this missense change (SIFT: "Deleterious"; PolyPhen-2: "Benign"; Align-GVGD: "Class C0"). In summary, the available evidence is currently insufficient to determine the role of this variant in disease. Therefore, it has been classified as a Variant of Uncertain Significance.